The following is an entry in ClinVar:

NC_000003.12:g.169764778C>A

Genes: TERC (telomerase RNA component; minus strand), LOC110806306 (telomerase RNA component (TERC) promoter; plus strand). Cytogenetic location: 3q26.2.
Variant type: single nucleotide variant.
Genome position: GRCh38 VCF-style: chr3-169764778-C-A. GRCh37 (hg19) VCF-style: chr3-169482566-C-A.
Identifiers: ClinVar variation 1478556 (VCV001478556.6), dbSNP rs2108182963, ClinGen allele CA436715164.
Genomic context (GRCh38, chr3:169,764,778, plus strand): 5'-CCCTCGCCCCCGAGAGACCCGCGGCTGACAGAGCCCAACTCTTCGCGGTGGCAGTGGGTG[C>A]CTCCGGAGAAGCCCCGGGCCGACCGCGGCCTCCAGGCGGGGTTCGGGGGCTGGGCAGGCG-3'

ClinVar aggregate classification (germline): Uncertain significance (1 of 4 stars; one submission).

Conditions:
Dyskeratosis congenita, autosomal dominant 1 (DKCA1). Also called: Dyskeratosis congenita Scoggins type. Identifiers: Orphanet 1775, MedGen C4551974, MONDO:0007485, OMIM 127550. Inheritance: Variable.

Allele frequency attached by ClinVar (database versions not stated): gnomAD exomes below 0.00001.
gnomAD v4.1: 1 of 741,814 alleles (0.00013%); no homozygotes.

Submission:

Labcorp Genetics (formerly Invitae), Labcorp
Classification: Uncertain significance for Dyskeratosis congenita, autosomal dominant 1. Last evaluated: 2021-10-02. Review status: criteria provided, single submitter. Criteria: Invitae Variant Classification Sherloc (09022015). Collection method: clinical testing. Allele origin: germline.
Comment: This variant is located within the conserved regions 4 and 5 (CR4-CR5) domain of the TERC RNA component, which is required for telomerase activity (PMID: 15082312, 21844345). In summary, the available evidence is currently insufficient to determine the role of this variant in disease. Therefore, it has been classified as a Variant of Uncertain Significance. This variant has not been reported in the literature in individuals affected with TERC-related conditions. The frequency data for this variant in the population databases is considered unreliable, as metrics indicate insufficient coverage at this position in the ExAC database. This variant occurs in the TERC gene, which encodes an RNA molecule that does not result in a protein product.

Literature cited by the submitters: PubMed 15082312; PubMed 21844345.